The following is an entry in ClinVar:

NM_000095.3(COMP):c.1034G>T (p.Gly345Val)

Gene: COMP (cartilage oligomeric matrix protein; minus strand). Cytogenetic location: 19p13.11.
Variant type: single nucleotide variant.
Coding change: c.1034G>T on transcript NM_000095.3 (MANE Select); coding-DNA position 1034, G replaced by T.
Protein change: p.Gly345Val; replaces glycine 345 with valine.
Molecular consequence: missense variant.
Genome position (GRCh38, 1-based): chr19:18,787,592, C>A on the plus strand (G>T on the coding strand, the complement: COMP is on the minus strand). VCF-style: chr19-18787592-C-A. GRCh37 (hg19) VCF-style: chr19-18898401-C-A.
Other names: short protein forms G345V.
Identifiers: ClinVar variation 4742324 (VCV004742324.1).
Genomic context (GRCh38, chr19:18,787,592, plus strand): 5'-TCCTGGTCTGTGTCCTTTTGGTCGTCGTTCTTCTGGGACCGGCAGTTGTCGCACGCATCG[C>A]CCCACTTGTCCTCGTCCGTGTTGCGCTGGTCTGGGTTCCGCACCAGCGGGCAGTTGTCCT-3'
Protein context (NP_000086.2, residues 335-355): DQRNTDEDKW[Gly345Val]DACDNCRSQK

ClinVar aggregate classification (germline): Uncertain significance (1 of 4 stars; one submission).

Submission:

Labcorp Genetics (formerly Invitae), Labcorp
Classification: Uncertain significance. Last evaluated: 2025-09-23. Review status: criteria provided, single submitter. Criteria: Invitae Variant Classification Sherloc (09022015). Collection method: clinical testing. Allele origin: germline.
Comment: This sequence change replaces glycine, which is neutral and non-polar, with valine, which is neutral and non-polar, at codon 345 of the COMP protein (p.Gly345Val). This variant is not present in population databases (gnomAD no frequency). This variant has not been reported in the literature in individuals affected with COMP-related conditions. Invitae Evidence Modeling of protein sequence and biophysical properties (such as structural, functional, and spatial information, amino acid conservation, physicochemical variation, residue mobility, and thermodynamic stability) indicates that this missense variant is expected to disrupt COMP protein function with a positive predictive value of 80%. This variant disrupts the p.Gly345 amino acid residue in COMP. Other variant(s) that disrupt this residue have been observed in individuals with COMP-related conditions (PMID: 24595329; internal data), which suggests that this may be a clinically significant amino acid residue. In summary, the available evidence is currently insufficient to determine the role of this variant in disease. Therefore, it has been classified as a Variant of Uncertain Significance.

Literature cited by the submitters: PubMed 24595329.